The following is an entry in ClinVar:

ClinVar aggregate classification (germline): Benign/Likely benign. Review status: criteria provided, multiple submitters, no conflicts (2 of 4 stars). 4 submissions from 4 submitters: Benign (1); Likely benign (3). Last evaluated 2024-09-23.

Conditions:
Hereditary cancer-predisposing syndrome. Also called: Hereditary Cancer Syndrome; Neoplastic Syndromes, Hereditary; Tumor predisposition; Hereditary neoplastic syndrome. Identifiers: Orphanet 140162, MedGen C0027672, MeSH D009386, MONDO:0015356.
Familial cancer of breast. Also called: BREAST CANCER, FAMILIAL; Hereditary breast cancer; hereditary breast carcinoma. Identifiers: Orphanet 227535, MedGen C0346153, MONDO:0016419, OMIM 114480. Disease mechanism: loss of function.

Submissions (4):

Labcorp Genetics (formerly Invitae), Labcorp
Classification: Likely benign for Familial cancer of breast. Last evaluated: 2024-09-23. Review status: criteria provided, single submitter. Criteria: Invitae Variant Classification Sherloc (09022015). Collection method: clinical testing. Allele origin: germline.

Myriad Genetics, Inc.
Classification: Benign for Familial cancer of breast. Last evaluated: 2024-07-25. Review status: criteria provided, single submitter. Criteria: Myriad Autosomal Dominant, Autosomal Recessive and X-Linked Classification Criteria (2023). Collection method: clinical testing. Allele origin: unknown.
Comment: This variant is considered benign. This variant is a silent/synonymous amino acid change and it is not expected to impact splicing.

Sema4
Classification: Likely benign for Hereditary cancer-predisposing syndrome. Last evaluated: 2021-08-03. Review status: criteria provided, single submitter. Criteria: Sema4 Curation Guidelines. Collection method: curation. Allele origin: germline.

Ambry Genetics
Classification: Likely benign for Hereditary cancer-predisposing syndrome. Last evaluated: 2017-03-13. Review status: criteria provided, single submitter. Criteria: Ambry Variant Classification Scheme 2023. Collection method: clinical testing. Allele origin: germline.

NM_000465.4(BARD1):c.1455A>T (p.Ala485=)

Gene: BARD1 (BRCA1 associated RING domain 1; minus strand). Cytogenetic location: 2q35.
Variant type: single nucleotide variant.
Coding change: c.1455A>T on transcript NM_000465.4 (MANE Select); coding-DNA position 1455, A replaced by T.
Protein change: p.Ala485=; no amino-acid change (alanine 485 retained).
Molecular consequence: synonymous variant. On other transcripts: non-coding transcript variant (3), intron variant (3).
Genome position (GRCh38, 1-based): chr2:214,767,595, T>A on the plus strand (A>T on the coding strand, the complement: BARD1 is on the minus strand). VCF-style: chr2-214767595-T-A. GRCh37 (hg19) VCF-style: chr2-215632319-T-A.
Other names: c.1398A>T, p.Ala466= (NM_001282543.2); c.159-15040A>T (NM_001282548.2); c.216-15040A>T (NM_001282545.2); c.364+24702A>T (NM_001282549.2).
Identifiers: ClinVar variation 481409 (VCV000481409.15), dbSNP rs1553619298, ClinGen allele CA431129599.